The following is an entry in ClinVar:

NM_144666.3(DNHD1):c.6221C>G (p.Thr2074Arg)

Gene: DNHD1 (dynein heavy chain domain 1; plus strand). Cytogenetic location: 11p15.4.
Variant type: single nucleotide variant.
Coding change: c.6221C>G on transcript NM_144666.3 (MANE Select); coding-DNA position 6221, C replaced by G.
Protein change: p.Thr2074Arg; replaces threonine 2074 with arginine.
Molecular consequence: missense variant.
Genome position (GRCh38, 1-based): chr11:6,547,160, C>G. VCF-style: chr11-6547160-C-G. GRCh37 (hg19) VCF-style: chr11-6568390-C-G.
Other names: c.6221C>G (NM_144666.2); short protein forms T2074R.
Identifiers: ClinVar variation 3234280 (VCV003234280.21), dbSNP rs745622819, ClinGen allele CA5856118.

ClinVar aggregate classification (germline): Uncertain significance. Review status: criteria provided, multiple submitters, no conflicts (2 of 4 stars). 2 submissions from 2 submitters: Uncertain significance (2). Last evaluated 2025-08-29.

Allele frequency attached by ClinVar (database versions not stated): ExAC 0.00005; gnomAD 0.00005.
gnomAD v4.1: 88 of 1,551,660 alleles (0.0057%); highest among the groups gnomAD compares: Non-Finnish European, 0.0074%; no homozygotes.

Submissions (2):

Ambry Genetics
Classification: Uncertain significance. Last evaluated: 2025-08-29. Review status: criteria provided, single submitter. Criteria: Ambry Variant Classification Scheme 2023. Collection method: clinical testing. Allele origin: germline.

CeGaT Center for Human Genetics Tuebingen
Classification: Uncertain significance. Last evaluated: 2024-04-01. Review status: criteria provided, single submitter. Criteria: CeGaT Center For Human Genetics Tuebingen Variant Classification Criteria Version 2. Collection method: clinical testing. Allele origin: germline. Affected: yes. Observed: 1 variant allele.
Comment: DNHD1: PM2, BP4